The following is an entry in ClinVar:

NM_013450.4(BAZ2B):c.3777T>C (p.His1259=)

Gene: BAZ2B (bromodomain adjacent to zinc finger domain 2B; minus strand). Cytogenetic location: 2q24.2.
Variant type: single nucleotide variant.
Coding change: c.3777T>C on transcript NM_013450.4 (MANE Select); coding-DNA position 3777, T replaced by C.
Protein change: p.His1259=; no amino-acid change (histidine 1259 retained).
Molecular consequence: synonymous variant.
Genome position (GRCh38, 1-based): chr2:159,382,787, A>G on the plus strand (T>C on the coding strand, the complement: BAZ2B is on the minus strand). VCF-style: chr2-159382787-A-G. GRCh37 (hg19) VCF-style: chr2-160239298-A-G.
Other names: c.3669T>C, p.His1223= (NM_001289975.1); c.3615T>C, p.His1205= (NM_001329857.2); c.3702T>C, p.His1234= (NM_001329858.2).
Identifiers: ClinVar variation 769261 (VCV000769261.9), dbSNP rs141120127, ClinGen allele CA1924266.

ClinVar aggregate classification (germline): Benign/Likely benign. Review status: criteria provided, multiple submitters, no conflicts (2 of 4 stars). 2 submissions from 2 submitters: Benign (1); Likely benign (1). Last evaluated 2026-05-01.

Allele frequency attached by ClinVar (database versions not stated): 1000 Genomes Project 30x 0.00141; gnomAD 0.00156; 1000 Genomes Project 0.00160; TOPMed 0.00208; gnomAD exomes 0.00239 and 0.00389; ESP Exome Variant Server 0.00247; ExAC 0.00265.
gnomAD v4.1: 5,937 of 1,613,458 alleles (0.37%); highest among the groups gnomAD compares: Non-Finnish European, 0.45%; 26 homozygotes.

Submissions (2):

CeGaT Center for Human Genetics Tuebingen
Classification: Likely benign. Last evaluated: 2026-05-01. Review status: criteria provided, single submitter. Criteria: CeGaT Center For Human Genetics Tuebingen Variant Classification Criteria Version 2. Collection method: clinical testing. Allele origin: germline. Affected: yes. Observed: 3 variant alleles.
Comment: BAZ2B: BP4, BP7, BS2

Labcorp Genetics (formerly Invitae), Labcorp
Classification: Benign. Last evaluated: 2017-11-14. Review status: criteria provided, single submitter. Criteria: Invitae Variant Classification Sherloc (09022015). Collection method: clinical testing. Allele origin: germline.